The following is an entry in ClinVar:

NM_004415.4(DSP):c.998G>C (p.Ser333Thr)

Gene: DSP (desmoplakin; plus strand). Cytogenetic location: 6p24.3.
Variant type: single nucleotide variant.
Coding change: c.998G>C on transcript NM_004415.4 (MANE Select); coding-DNA position 998, G replaced by C.
Protein change: p.Ser333Thr; replaces serine 333 with threonine.
Molecular consequence: missense variant.
Genome position (GRCh38, 1-based): chr6:7,566,435, G>C. VCF-style: chr6-7566435-G-C. GRCh37 (hg19) VCF-style: chr6-7566668-G-C.
Other names: c.998G>C, p.Ser333Thr (NM_001008844.3, NM_001319034.2); short protein forms S333T.
Identifiers: ClinVar variation 1522466 (VCV001522466.9), dbSNP rs749695729, ClinGen allele CA362674874.

ClinVar aggregate classification (germline): Uncertain significance. Review status: criteria provided, multiple submitters, no conflicts (2 of 4 stars). 2 submissions from 2 submitters: Uncertain significance (2). Last evaluated 2025-11-20.

Conditions:
Arrhythmogenic right ventricular dysplasia 8 (ARVD8). Also called: Arrhythmogenic Right Ventricular Dysplasia/Cardiomyopathy 8; ARRHYTHMOGENIC RIGHT VENTRICULAR DYSPLASIA, FAMILIAL, 8; ARRHYTHMOGENIC RIGHT VENTRICULAR CARDIOMYOPATHY 8. Identifiers: MedGen C1843896, MONDO:0011831, OMIM 607450.
Arrhythmogenic cardiomyopathy with wooly hair and keratoderma. Also called: Dilated cardiomyopathy with woolly hair and keratoderma; Carvajal syndrome; Arrhythmogenic cardiomyopathy with woolly hair and keratoderma; PALMOPLANTAR KERATODERMA WITH LEFT VENTRICULAR CARDIOMYOPATHY AND WOOLLY HAIR. Identifiers: Orphanet 65282, MedGen C1854063, MONDO:0011581, OMIM 605676.

gnomAD v4.1: 2 of 1,613,934 alleles (0.00012%); highest among the groups gnomAD compares: African/African-American, 0.0013%; no homozygotes.

Submissions (2):

Labcorp Genetics (formerly Invitae), Labcorp
Classification: Uncertain significance for Arrhythmogenic cardiomyopathy with wooly hair and keratoderma; Arrhythmogenic right ventricular dysplasia 8. Last evaluated: 2025-11-20. Review status: criteria provided, single submitter. Criteria: Invitae Variant Classification Sherloc (09022015). Collection method: clinical testing. Allele origin: germline.
Comment: This sequence change replaces serine, which is neutral and polar, with threonine, which is neutral and polar, at codon 333 of the DSP protein (p.Ser333Thr). This variant is not present in population databases (gnomAD no frequency). This variant has not been reported in the literature in individuals affected with DSP-related conditions. ClinVar contains an entry for this variant (Variation ID: 1522466). An algorithm developed to predict the effect of missense changes on protein structure and function (PolyPhen-2) suggests that this variant is likely to be tolerated. In summary, the available evidence is currently insufficient to determine the role of this variant in disease. Therefore, it has been classified as a Variant of Uncertain Significance.

All of Us Research Program, National Institutes of Health
Classification: Uncertain significance for Arrhythmogenic cardiomyopathy with wooly hair and keratoderma. Last evaluated: 2023-04-10. Review status: criteria provided, single submitter. Criteria: ACMG Guidelines, 2015. Collection method: clinical testing. Allele origin: germline. Inheritance: Autosomal dominant inheritance. Observed: 1 variant allele, 1 heterozygote.
Comment: This missense variant replaces serine with threonine at codon 333 of the DSP protein. Computational prediction suggests that this variant may not impact protein structure and function (internally defined REVEL score threshold <= 0.5, PMID: 27666373). To our knowledge, functional studies have not been reported for this variant. This variant has not been reported in individuals affected with DSP-related disorders in the literature. This variant has not been identified in the general population by the Genome Aggregation Database (gnomAD). The available evidence is insufficient to determine the role of this variant in disease conclusively. Therefore, this variant is classified as a Variant of Uncertain Significance.

This study involves interpretation of variants in research participants for the purpose of population health screening. Participant phenotype was not available at the time of variant classification. Additional details can be found in publication PMID: 35346344, PMCID: PMC8962531